The following is an entry in ClinVar:

ClinVar aggregate classification (germline): Uncertain significance (1 of 4 stars; one submission).

Submission:

Labcorp Genetics (formerly Invitae), Labcorp
Classification: Uncertain significance. Last evaluated: 2025-09-25. Review status: criteria provided, single submitter. Criteria: Invitae Variant Classification Sherloc (09022015). Collection method: clinical testing. Allele origin: germline.
Comment: This sequence change replaces glutamine, which is neutral and polar, with histidine, which is basic and polar, at codon 1301 of the COL11A2 protein (p.Gln1301His). This variant is not present in population databases (gnomAD no frequency). This variant has not been reported in the literature in individuals affected with COL11A2-related conditions. Invitae Evidence Modeling of protein sequence and biophysical properties (such as structural, functional, and spatial information, amino acid conservation, physicochemical variation, residue mobility, and thermodynamic stability) indicates that this missense variant is not expected to disrupt COL11A2 protein function with a negative predictive value of 95%. In summary, the available evidence is currently insufficient to determine the role of this variant in disease. Therefore, it has been classified as a Variant of Uncertain Significance.

NM_080680.3(COL11A2):c.3903G>T (p.Gln1301His)

Gene: COL11A2 (collagen type XI alpha 2 chain; minus strand). Cytogenetic location: 6p21.32.
Variant type: single nucleotide variant.
Coding change: c.3903G>T on transcript NM_080680.3 (MANE Select); coding-DNA position 3903, G replaced by T.
Protein change: p.Gln1301His; replaces glutamine 1301 with histidine.
Molecular consequence: missense variant.
Genome position (GRCh38, 1-based): chr6:33,168,709, C>A on the plus strand (G>T on the coding strand, the complement: COL11A2 is on the minus strand). VCF-style: chr6-33168709-C-A. GRCh37 (hg19) VCF-style: chr6-33136486-C-A.
Other names: c.3723G>T, p.Gln1241His (NM_001424108.1); c.3057G>T, p.Gln1019His (NM_001424109.1); c.2877G>T, p.Gln959His (NM_001424110.1, NM_001424111.1); c.1857G>T, p.Gln619His (NM_001424112.1); c.3582G>T, p.Gln1194His (NM_080679.3); c.3645G>T, p.Gln1215His (NM_080681.3); short protein forms Q1019H, Q1194H, Q1215H, Q1241H, Q1301H, Q619H, Q959H.
Identifiers: ClinVar variation 4805914 (VCV004805914.1).
Genomic context (GRCh38, chr6:33,168,709, plus strand): 5'-GGGGTAAAGAGGATGAGGCTTGGGCTCAGGGGGGTGGTGGGGTCACCAGGCACTCACAGG[C>A]TGTCCTGGCTCACCATCCTCGCCTCGGTCACCCTTAGCACCATCCTGGCCCTGCAGAAGT-3'
Protein context (NP_542411.2, residues 1291-1311): GDRGEDGEPG[Gln1301His]PGSPGPTGEN